The following is an entry in ClinVar:

NM_178140.4(PDZD2):c.2304G>T (p.Met768Ile)

Gene: PDZD2 (PDZ domain containing 2; plus strand). Cytogenetic location: 5p13.3.
Variant type: single nucleotide variant.
Coding change: c.2304G>T on transcript NM_178140.4 (MANE Select); coding-DNA position 2304, G replaced by T.
Protein change: p.Met768Ile; replaces methionine 768 with isoleucine.
Molecular consequence: missense variant.
Genome position (GRCh38, 1-based): chr5:32,059,342, G>T. VCF-style: chr5-32059342-G-T. GRCh37 (hg19) VCF-style: chr5-32059448-G-T.
Other names: short protein forms M768I.
Identifiers: ClinVar variation 3349926 (VCV003349926.1).
Genomic context (GRCh38, chr5:32,059,342, plus strand): 5'-GGAAAACAGTCCTCCTGGCATCTACATTCACAGCCTTGCTCCAGGATCAGTGGCCAAGAT[G>T]GAGAGCAACCTGAGGTTTGTTGTTTGCCTGATAGTGTAAGGTTCTGGAGTGTTCATAAAT-3'
Protein context (NP_835260.2, residues 758-778): HSLAPGSVAK[Met768Ile]ESNLSRGDQI

ClinVar aggregate classification (germline): Uncertain significance (0 of 4 stars; one submission).

Conditions:
PDZD2-related disorder. Also called: PDZD2-related condition.

gnomAD v4.1: 1 of 1,592,584 alleles (0.000063%); highest among the groups gnomAD compares: Middle Eastern, 0.017%; no homozygotes.

Submission:

PreventionGenetics, part of Exact Sciences
Classification: Uncertain significance for PDZD2-related condition. Last evaluated: 2024-04-03. Review status: no assertion criteria provided. Collection method: clinical testing. Allele origin: germline.
Comment: The PDZD2 c.2304G>T variant is predicted to result in the amino acid substitution p.Met768Ile. To our knowledge, this variant has not been reported in the literature. This variant is reported in 0.00088% of alleles in individuals of European (Non-Finnish) descent in gnomAD. At this time, the clinical significance of this variant is uncertain due to the absence of conclusive functional and genetic evidence.